The following is an entry in ClinVar:

ClinVar aggregate classification (germline): Benign/Likely benign. Review status: criteria provided, multiple submitters, no conflicts (2 of 4 stars). 8 submissions from 8 submitters: Benign (6); Likely benign (2). Last evaluated 2026-01-31.

Conditions:
Joubert syndrome. Also called: Familial aplasia of the vermis; JOUBERT-BOLTSHAUSER SYNDROME. Identifiers: Orphanet 475, MedGen C5979921, MONDO:0018772.
Orofaciodigital syndrome I (OFD1). Also called: Oral-Facial-Digital Syndrome Type I; OFDS I; Papillon-Leage and Psaume Syndrome. Identifiers: Orphanet 2750, MedGen C1510460, MONDO:0010702, OMIM 311200.
Simpson-Golabi-Behmel syndrome type 2. Identifiers: Orphanet 79022, MedGen C1846175, MONDO:0010265, OMIM 300209.
Retinitis pigmentosa 23 (RP23). Identifiers: Orphanet 791, MedGen C1419610, MONDO:0010320, OMIM 300424.
Joubert syndrome 10 (JBTS10). Identifiers: Orphanet 2754, MedGen C2749019, MONDO:0010431, OMIM 300804.
Primary ciliary dyskinesia. Also called: Ciliary dyskinesia. Identifiers: Orphanet 244, MedGen C0008780, MONDO:0016575, HP:0012265.

Allele frequency attached by ClinVar (database versions not stated): gnomAD exomes 0.00045 and 0.00116; ExAC 0.00131; 1000 Genomes Project 0.00344; gnomAD 0.00351 and 0.00381; 1000 Genomes Project 30x 0.00375; ESP Exome Variant Server 0.00483; TOPMed 0.00489.
gnomAD v4.1: 917 of 1,209,088 alleles (0.076%); highest among the groups gnomAD compares: African/African-American, 1.2%; 5 homozygotes.

Submissions (8):

Labcorp Genetics (formerly Invitae), Labcorp
Classification: Benign for Orofaciodigital syndrome I; Joubert syndrome. Last evaluated: 2026-01-31. Review status: criteria provided, single submitter. Criteria: Invitae Variant Classification Sherloc (09022015). Collection method: clinical testing. Allele origin: germline.

Blueprint Genetics
Classification: Likely benign. Last evaluated: 2024-11-13. Review status: criteria provided, single submitter. Criteria: ACMG Guidelines, 2015. Collection method: clinical testing. Allele origin: germline.

Mayo Clinic Laboratories, Mayo Clinic
Classification: Benign. Last evaluated: 2023-11-14. Review status: criteria provided, single submitter. Criteria: ACMG Guidelines, 2015. Collection method: clinical testing. Allele origin: germline. Observed: 7 variant alleles.
Comment: BS1, BS2, BP4

Fulgent Genetics
Classification: Likely benign for Simpson-Golabi-Behmel syndrome type 2; Retinitis pigmentosa 23; Joubert syndrome 10; Orofaciodigital syndrome I. Last evaluated: 2021-09-27. Review status: criteria provided, single submitter. Criteria: ACMG Guidelines, 2015. Collection method: clinical testing. Allele origin: unknown.

GeneDx
Classification: Benign. Last evaluated: 2018-07-27. Review status: criteria provided, single submitter. Criteria: GeneDx Variant Classification Process June 2021. Collection method: clinical testing. Allele origin: germline. Affected: yes.

Ambry Genetics
Classification: Benign for Primary ciliary dyskinesia. Last evaluated: 2017-01-10. Review status: criteria provided, single submitter. Criteria: Ambry Variant Classification Scheme 2023. Collection method: clinical testing. Allele origin: germline.

Genetic Services Laboratory, University of Chicago
Classification: Benign. Last evaluated: 2014-05-01. Review status: criteria provided, single submitter. Criteria: ACMG Guidelines, 2015. Collection method: clinical testing. Allele origin: germline. Inheritance: X-linked inheritance.

Breakthrough Genomics
Classification: Benign. Review status: criteria provided, single submitter. Criteria: ACMG Guidelines, 2015. Collection method: not provided. Allele origin: germline. Inheritance: X-linked inheritance. Affected: yes.

NM_003611.3(OFD1):c.2663A>C (p.Lys888Thr)

Gene: OFD1 (OFD1 centriole and centriolar satellite protein; plus strand). Cytogenetic location: Xp22.2.
Variant type: single nucleotide variant.
Coding change: c.2663A>C on transcript NM_003611.3 (MANE Select); coding-DNA position 2663, A replaced by C.
Protein change: p.Lys888Thr; replaces lysine 888 with threonine.
Molecular consequence: missense variant.
Genome position (GRCh38, 1-based): chrX:13,767,190, A>C. VCF-style: chrX-13767190-A-C. GRCh37 (hg19) VCF-style: chrX-13785309-A-C.
Other names: p.Lys888Thr; c.2543A>C, p.Lys848Thr (NM_001330209.2); c.2243A>C, p.Lys748Thr (NM_001330210.2); short protein forms K888T, K848T, K748T.
Identifiers: ClinVar variation 159472 (VCV000159472.26), dbSNP rs149647255, ClinGen allele CA172899.
Genomic context (GRCh38, chrX:13,767,190, plus strand): 5'-TAGATCAGAAACAAATTGAAGAACAAAAGGAAGAAGAAAAAATACGGGAACAGCAAGTGA[A>C]AGAACGAAGGCAGAGAGAAGAAAGAAGGCAGAGTAACCTACAAGAAGTTTTAGAAAGGGA-3'
Protein context (NP_003602.1, residues 878-898): EEEKIREQQV[Lys888Thr]ERRQREERRQ